The following is an entry in ClinVar:

NM_004519.4(KCNQ3):c.251G>T (p.Gly84Val)

Gene: KCNQ3 (potassium voltage-gated channel subfamily Q member 3; minus strand). Cytogenetic location: 8q24.22.
Variant type: single nucleotide variant.
Coding change: c.251G>T on transcript NM_004519.4 (MANE Select); coding-DNA position 251, G replaced by T.
Protein change: p.Gly84Val; replaces glycine 84 with valine.
Molecular consequence: missense variant.
Genome position (GRCh38, 1-based): chr8:132,480,282, C>A on the plus strand (G>T on the coding strand, the complement: KCNQ3 is on the minus strand). VCF-style: chr8-132480282-C-A. GRCh37 (hg19) VCF-style: chr8-133492529-C-A.
Other names: short protein forms G84V.
Identifiers: ClinVar variation 1015105 (VCV001015105.8), dbSNP rs781753428, ClinGen allele CA372292595.

ClinVar aggregate classification (germline): Uncertain significance (1 of 4 stars; one submission).

Conditions:
Benign neonatal seizures. Also called: Benign neonatal familial convulsions; Convulsions benign familial neonatal dominant form; Autosomal dominant form of benign neonatal seizures; Benign familial neonatal seizures; Benign familial neonatal epilepsy. Identifiers: Orphanet 1949, MedGen C0220669, MONDO:0016027.

gnomAD v4.1: 6 of 1,609,984 alleles (0.00037%); no homozygotes.

Submission:

Labcorp Genetics (formerly Invitae), Labcorp
Classification: Uncertain significance for Benign neonatal seizures. Last evaluated: 2024-07-11. Review status: criteria provided, single submitter. Criteria: Invitae Variant Classification Sherloc (09022015). Collection method: clinical testing. Allele origin: germline.
Comment: This sequence change replaces glycine, which is neutral and non-polar, with valine, which is neutral and non-polar, at codon 84 of the KCNQ3 protein (p.Gly84Val). This variant is present in population databases (no rsID available, gnomAD 0.01%). This variant has not been reported in the literature in individuals affected with KCNQ3-related conditions. ClinVar contains an entry for this variant (Variation ID: 1015105). Advanced modeling of protein sequence and biophysical properties (such as structural, functional, and spatial information, amino acid conservation, physicochemical variation, residue mobility, and thermodynamic stability) performed at Invitae indicates that this missense variant is not expected to disrupt KCNQ3 protein function with a negative predictive value of 95%. In summary, the available evidence is currently insufficient to determine the role of this variant in disease. Therefore, it has been classified as a Variant of Uncertain Significance.